The following is an entry in ClinVar:

NM_015338.6(ASXL1):c.988A>T (p.Thr330Ser)

Gene: ASXL1 (ASXL transcriptional regulator 1; plus strand). Cytogenetic location: 20q11.21.
Variant type: single nucleotide variant.
Coding change: c.988A>T on transcript NM_015338.6 (MANE Select); coding-DNA position 988, A replaced by T.
Protein change: p.Thr330Ser; replaces threonine 330 with serine.
Molecular consequence: missense variant.
Genome position (GRCh38, 1-based): chr20:32,432,888, A>T. VCF-style: chr20-32432888-A-T. GRCh37 (hg19) VCF-style: chr20-31020691-A-T.
Other names: c.805A>T, p.Thr269Ser (NM_001363734.1); short protein forms T269S, T330S.
Identifiers: ClinVar variation 4587819 (VCV004587819.5).

ClinVar aggregate classification (germline): Uncertain significance. Review status: criteria provided, multiple submitters, no conflicts (2 of 4 stars). 2 submissions from 2 submitters: Uncertain significance (2). Last evaluated 2026-02-01.

Conditions:
Inborn genetic diseases. Identifiers: MedGen C0950123, MeSH D030342.

Submissions (2):

CeGaT Center for Human Genetics Tuebingen
Classification: Uncertain significance. Last evaluated: 2026-02-01. Review status: criteria provided, single submitter. Criteria: CeGaT Center For Human Genetics Tuebingen Variant Classification Criteria Version 2. Collection method: clinical testing. Allele origin: germline. Affected: yes. Observed: 1 variant allele.
Comment: ASXL1: PM2

Ambry Genetics
Classification: Uncertain significance for Inborn genetic diseases. Last evaluated: 2025-10-12. Review status: criteria provided, single submitter. Criteria: Ambry Variant Classification Scheme 2023. Collection method: clinical testing. Allele origin: germline.
Comment: The p.T330S variant (also known as c.988A>T), located in coding exon 11 of the ASXL1 gene, results from an A to T substitution at nucleotide position 988. The threonine at codon 330 is replaced by serine, an amino acid with similar properties. This amino acid position is conserved. In addition, the in silico prediction for this alteration is inconclusive. Based on the available evidence, the clinical significance of this variant remains unclear.